The following is an entry in ClinVar:

NM_002500.5(NEUROD1):c.794C>G (p.Thr265Ser)

Gene: NEUROD1 (neuronal differentiation 1; minus strand). Cytogenetic location: 2q31.3.
Variant type: single nucleotide variant.
Coding change: c.794C>G on transcript NM_002500.5 (MANE Select); coding-DNA position 794, C replaced by G.
Protein change: p.Thr265Ser; replaces threonine 265 with serine.
Molecular consequence: missense variant.
Genome position (GRCh38, 1-based): chr2:181,678,067, G>C on the plus strand (C>G on the coding strand, the complement: NEUROD1 is on the minus strand). VCF-style: chr2-181678067-G-C. GRCh37 (hg19) VCF-style: chr2-182542794-G-C.
Other names: short protein forms T265S.
Identifiers: ClinVar variation 1026908 (VCV001026908.10), dbSNP rs1029071008, ClinGen allele CA349782962.

ClinVar aggregate classification (germline): Uncertain significance. Review status: criteria provided, multiple submitters, no conflicts (2 of 4 stars). 2 submissions from 2 submitters: Uncertain significance (2). Last evaluated 2025-10-18.

Conditions:
Maturity-onset diabetes of the young type 6 (MODY6). Identifiers: Orphanet 552, MedGen C1853371, MONDO:0011668, OMIM 606394.
Type 2 diabetes mellitus. Also called: Type II diabetes mellitus. Identifiers: MedGen C0011860, MeSH D003924, MONDO:0005148, OMIM 125853, HP:0005978.

Allele frequency attached by ClinVar (database versions not stated): TOPMed 0.00001.

Submissions (2):

Labcorp Genetics (formerly Invitae), Labcorp
Classification: Uncertain significance. Last evaluated: 2025-10-18. Review status: criteria provided, single submitter. Criteria: Invitae Variant Classification Sherloc (09022015). Collection method: clinical testing. Allele origin: germline.
Comment: This sequence change replaces threonine, which is neutral and polar, with serine, which is neutral and polar, at codon 265 of the NEUROD1 protein (p.Thr265Ser). This variant is not present in population databases (gnomAD no frequency). This variant has not been reported in the literature in individuals affected with NEUROD1-related conditions. ClinVar contains an entry for this variant (Variation ID: 1026908). Invitae Evidence Modeling of protein sequence and biophysical properties (such as structural, functional, and spatial information, amino acid conservation, physicochemical variation, residue mobility, and thermodynamic stability) indicates that this missense variant is not expected to disrupt NEUROD1 protein function with a negative predictive value of 80%. In summary, the available evidence is currently insufficient to determine the role of this variant in disease. Therefore, it has been classified as a Variant of Uncertain Significance.

Fulgent Genetics
Classification: Uncertain significance for Type 2 diabetes mellitus; Maturity-onset diabetes of the young type 6. Last evaluated: 2022-05-19. Review status: criteria provided, single submitter. Criteria: ACMG Guidelines, 2015. Collection method: clinical testing. Allele origin: unknown.